The following is an entry in ClinVar:

NM_004463.3(FGD1):c.2473T>C (p.Cys825Arg)

Genes: FGD1 (FYVE, RhoGEF and PH domain containing 1; minus strand), TSR2 (TSR2 ribosome maturation factor; plus strand). Cytogenetic location: Xp11.22.
Variant type: single nucleotide variant.
Coding change: c.2473T>C on transcript NM_004463.3 (MANE Select); coding-DNA position 2473, T replaced by C.
Protein change: p.Cys825Arg; replaces cysteine 825 with arginine.
Molecular consequence: missense variant. On other transcripts: 3 prime UTR variant (5).
Genome position (GRCh38, 1-based): chrX:54,447,418, A>G on the plus strand (T>C on the coding strand, the complement: FGD1 is on the minus strand). VCF-style: chrX-54447418-A-G. GRCh37 (hg19) VCF-style: chrX-54473851-A-G.
Other names: c.*2868A>G (NM_001346789.2, NM_001346790.2, NM_001346791.2 and 2 more transcripts); short protein forms C825R.
Identifiers: ClinVar variation 3339256 (VCV003339256.1).

ClinVar aggregate classification (germline): Uncertain significance (1 of 4 stars; one submission).

Submission:

Women's Health and Genetics/Laboratory Corporation of America, LabCorp
Classification: Uncertain significance. Last evaluated: 2024-07-29. Review status: criteria provided, single submitter. Criteria: LabCorp Variant Classification Summary - May 2015. Collection method: clinical testing. Allele origin: germline.
Comment: Variant summary: FGD1 c.2473T>C (p.Cys825Arg) results in a non-conservative amino acid change located in the Pleckstrin homology domain (IPR001849) of the encoded protein sequence. Three of five in-silico tools predict a benign effect of the variant on protein function. The variant was absent in 181302 control chromosomes (gnomAD). The available data on variant occurrences in the general population are insufficient to allow any conclusion about variant significance. To our knowledge, no occurrence of c.2473T>C in individuals affected with FGFR1-Related Disorders and no experimental evidence demonstrating its impact on protein function have been reported. No submitters have cited clinical-significance assessments for this variant to ClinVar. Based on the evidence outlined above, the variant was classified as uncertain significance.